The following is an entry in ClinVar:

NM_001365999.1(SZT2):c.134C>G (p.Ala45Gly)

Gene: SZT2 (SZT2 subunit of KICSTOR complex; plus strand). Cytogenetic location: 1p34.2.
Variant type: single nucleotide variant.
Coding change: c.134C>G on transcript NM_001365999.1 (MANE Select); coding-DNA position 134, C replaced by G.
Protein change: p.Ala45Gly; replaces alanine 45 with glycine.
Molecular consequence: missense variant.
Genome position (GRCh38, 1-based): chr1:43,403,283, C>G. VCF-style: chr1-43403283-C-G. GRCh37 (hg19) VCF-style: chr1-43868954-C-G.
Other names: c.134C>G, p.Ala45Gly (NM_015284.4); short protein forms A45G.
Identifiers: ClinVar variation 1042183 (VCV001042183.8), dbSNP rs1363647233, ClinGen allele CA339995285.

ClinVar aggregate classification (germline): Uncertain significance (1 of 4 stars; one submission).

Allele frequency attached by ClinVar (database versions not stated): TOPMed below 0.00001; gnomAD 0.00001; gnomAD exomes 0.00001.
gnomAD v4.1: 8 of 1,613,590 alleles (0.0005%); highest among the groups gnomAD compares: Non-Finnish European, 0.00068%; no homozygotes.

Submission:

Labcorp Genetics (formerly Invitae), Labcorp
Classification: Uncertain significance. Last evaluated: 2020-11-04. Review status: criteria provided, single submitter. Criteria: Invitae Variant Classification Sherloc (09022015). Collection method: clinical testing. Allele origin: germline.
Comment: This sequence change replaces alanine with glycine at codon 45 of the SZT2 protein (p.Ala45Gly). The alanine residue is weakly conserved and there is a small physicochemical difference between alanine and glycine. This variant is not present in population databases (ExAC no frequency). This variant has not been reported in the literature in individuals with a SZT2-related disease. Algorithms developed to predict the effect of missense changes on protein structure and function do not agree on the potential impact of this missense change (SIFT: "Tolerated"; PolyPhen-2: "Possibly Damaging"; Align-GVGD: "Class C0"). In summary, this variant has uncertain impact on SZT2 function. The available evidence is currently insufficient to determine its role in disease. Therefore, it has been classified as a Variant of Uncertain Significance.